The following is an entry in ClinVar:

ClinVar aggregate classification (germline): Uncertain significance. Review status: criteria provided, single submitter (1 of 4 stars). 2 submissions from 2 submitters: Uncertain significance (1). 1 of the submissions does not count toward it. Last evaluated 2026-01-25.

Conditions:
TNFRSF6B-related disorder. Also called: TNFRSF6B-related condition.

Allele frequency attached by ClinVar (database versions not stated): gnomAD exomes 0.00063 and 0.00078; ExAC 0.00068; TOPMed 0.00071; ESP Exome Variant Server 0.00073; 1000 Genomes Project 0.00080; gnomAD 0.00084 and 0.00092; 1000 Genomes Project 30x 0.00094.

Submissions (2):

Labcorp Genetics (formerly Invitae), Labcorp
Classification: Uncertain significance. Last evaluated: 2026-01-25. Review status: criteria provided, single submitter. Criteria: Invitae Variant Classification Sherloc (09022015). Collection method: clinical testing. Allele origin: germline.
Comment: This sequence change creates a premature translational stop signal (p.Glu45Alafs*54) in the TNFRSF6B gene. It is expected to result in an absent or disrupted protein product. However, the current clinical and genetic evidence is not sufficient to establish whether loss-of-function variants in TNFRSF6B cause disease. This variant is present in population databases (rs540583157, gnomAD 0.2%), and has an allele count higher than expected for a pathogenic variant. This variant has not been reported in the literature in individuals affected with TNFRSF6B-related conditions. ClinVar contains an entry for this variant (Variation ID: 1039927). In summary, the available evidence is currently insufficient to determine the role of this variant in disease. Therefore, it has been classified as a Variant of Uncertain Significance.

PreventionGenetics, part of Exact Sciences
Classification: Likely benign for TNFRSF6B-related condition. Last evaluated: 2024-01-08. Review status: no assertion criteria provided. Collection method: clinical testing. Allele origin: germline. Not counted in ClinVar's aggregate classification.
Comment: This variant is classified as likely benign based on ACMG/AMP sequence variant interpretation guidelines (Richards et al. 2015 PMID: 25741868, with internal and published modifications).

NM_003823.4(TNFRSF6B):c.129_130del (p.Glu45fs)

Genes: RTEL1-TNFRSF6B (RTEL1-TNFRSF6B readthrough (NMD candidate); plus strand), TNFRSF6B (TNF receptor superfamily member 6b; plus strand). Cytogenetic location: 20q13.33.
Variant type: Deletion.
Coding change: c.129_130del on transcript NM_003823.4 (MANE Select); coding-DNA positions 129 to 130, 2 bases deleted (AG; older notation c.129_130delAG).
Protein change: p.Glu45fs; shifts the reading frame from glutamic acid 45.
Molecular consequence: frameshift variant. On other transcripts: non-coding transcript variant (1).
Genome position (GRCh38, 1-based): chr20:63,696,896-63,696,897, AG deleted. VCF-style (leftmost placement, unchanged base first): chr20-63696895-CAG-C. GRCh37 (hg19) VCF-style: chr20-62328248-CAG-C.
Other names: c.129_130delAG (NM_003823.3); short protein forms E45fs.
Identifiers: ClinVar variation 1039927 (VCV001039927.9), dbSNP rs540583157, ClinGen allele CA9966327.